The following is an entry in ClinVar:

ClinVar aggregate classification (germline): Uncertain significance. Review status: criteria provided, multiple submitters, no conflicts (2 of 4 stars). 2 submissions from 2 submitters: Uncertain significance (2). Last evaluated 2026-09-22.

Conditions:
Charcot-Marie-Tooth disease type 4. Also called: Charcot-Marie-Tooth disease, type IV; Charcot-Marie-Tooth, Type 4. Identifiers: Orphanet 64749, MedGen C4082197, MONDO:0018995.
FIG4-related disorder. Also called: FIG4-related condition; FIG4-related disorders.

Allele frequency attached by ClinVar (database versions not stated): gnomAD exomes below 0.00001 and 0.00001; TOPMed below 0.00001; ExAC 0.00001.
gnomAD v4.1: 2 of 1,607,910 alleles (0.00012%); highest among the groups gnomAD compares: South Asian, 0.0022%; no homozygotes.

Submissions (2):

PreventionGenetics, part of Exact Sciences
Classification: Uncertain significance for FIG4-related condition. Last evaluated: 2026-09-22. Review status: criteria provided, single submitter. Criteria: ACMG Guidelines, 2015. Collection method: clinical testing. Allele origin: germline.
Comment: The FIG4 c.125A>G variant is predicted to result in the amino acid substitution p.Asp42Gly. To our knowledge, this variant has not been reported in the literature. This variant is reported in 0.0033% of alleles in individuals of South Asian descent in gnomAD. At this time, the clinical significance of this variant is uncertain due to the absence of conclusive functional and genetic evidence.

Labcorp Genetics (formerly Invitae), Labcorp
Classification: Uncertain significance for Charcot-Marie-Tooth disease type 4. Last evaluated: 2020-07-08. Review status: criteria provided, single submitter. Criteria: Invitae Variant Classification Sherloc (09022015). Collection method: clinical testing. Allele origin: germline.
Comment: This variant has not been reported in the literature in individuals with FIG4-related conditions. In summary, the available evidence is currently insufficient to determine the role of this variant in disease. Therefore, it has been classified as a Variant of Uncertain Significance. Algorithms developed to predict the effect of missense changes on protein structure and function are either unavailable or do not agree on the potential impact of this missense change (SIFT: "Deleterious"; PolyPhen-2: "Possibly Damaging"; Align-GVGD: "Class C0"). This variant is present in population databases (rs780739049, ExAC 0.002%). This sequence change replaces aspartic acid with glycine at codon 42 of the FIG4 protein (p.Asp42Gly). The aspartic acid residue is highly conserved and there is a moderate physicochemical difference between aspartic acid and glycine.

NM_014845.6(FIG4):c.125A>G (p.Asp42Gly)

Gene: FIG4 (FIG4 phosphoinositide 5-phosphatase; plus strand). Cytogenetic location: 6q21.
Variant type: single nucleotide variant.
Coding change: c.125A>G on transcript NM_014845.6 (MANE Select); coding-DNA position 125, A replaced by G.
Protein change: p.Asp42Gly; replaces aspartic acid 42 with glycine.
Molecular consequence: missense variant.
Genome position (GRCh38, 1-based): chr6:109,715,136, A>G. VCF-style: chr6-109715136-A-G. GRCh37 (hg19) VCF-style: chr6-110036339-A-G.
Other names: c.125A>G (NM_014845.5); short protein forms D42G.
Identifiers: ClinVar variation 1053303 (VCV001053303.10), dbSNP rs780739049, ClinGen allele CA3955679.
Genomic context (GRCh38, chr6:109,715,136, plus strand): 5'-AGAGATACTTTCTAGTTGGGAGCAATAATGCAGAAACGAAATATCGTGTCTTGAAGATTG[A>G]TAGAACAGAACCAAAAGATTTGGTCATAATTGATGACAGGGTAAGTATCCTCCAAACCTG-3'
Protein context (NP_055660.1, residues 32-52): AETKYRVLKI[Asp42Gly]RTEPKDLVII